The following is an entry in ClinVar:

ClinVar aggregate classification (germline): Uncertain significance (1 of 4 stars; one submission).

Submission:

Dasa
Classification: Uncertain significance. Last evaluated: 2024-12-04. Review status: criteria provided, single submitter. Criteria: DASA Assertion Criteria. Collection method: clinical testing. Allele origin: germline.
Comment: NM_000426.4(LAMA2):c.3416A>C (p.Asn1139Thr) is a missense variant that results in the substitution of asparagine with threonine. This variant is absent from population databases. The currently available literature and clinical evidence are not sufficient to establish a definitive association between this variant and the reported condition. Therefore, this variant is classified as a variant of uncertain significance.

NM_000426.4(LAMA2):c.3416A>C (p.Asn1139Thr)

Gene: LAMA2 (laminin subunit alpha 2; plus strand). Cytogenetic location: 6q22.33.
Variant type: single nucleotide variant.
Coding change: c.3416A>C on transcript NM_000426.4 (MANE Select); coding-DNA position 3416, A replaced by C.
Protein change: p.Asn1139Thr; replaces asparagine 1139 with threonine.
Molecular consequence: missense variant.
Genome position (GRCh38, 1-based): chr6:129,314,659, A>C. VCF-style: chr6-129314659-A-C. GRCh37 (hg19) VCF-style: chr6-129635804-A-C.
Other names: c.3416A>C, p.Asn1139Thr (NM_001079823.2); short protein forms N1139T.
Identifiers: ClinVar variation 4881223 (VCV004881223.2).
Genomic context (GRCh38, chr6:129,314,659, plus strand): 5'-GATTTCTCCCCTAACTTTGCCGTTATAAACTCTGAGGGTCTCTTGTCTTTCCTCAGGTGA[A>C]TGTGGAAGGCATCCACTGTGACAGATGCCGGCCTGGCAAATTCGGACTCGATGCCAAGAA-3'
Protein context (NP_000417.3, residues 1129-1149): DQTGQCTCKV[Asn1139Thr]VEGIHCDRCR